The following is an entry in ClinVar:

ClinVar aggregate classification (germline): Pathogenic. Review status: criteria provided, multiple submitters, no conflicts (2 of 4 stars). 2 submissions from 2 submitters: Pathogenic (2). Last evaluated 2025-10-23.

Conditions:
Immunodeficiency 23 (IMD23). Also called: IMMUNODEFICIENCY WITH HYPER IgE AND COGNITIVE IMPAIRMENT; IMMUNODEFICIENCY-VASCULITIS-MYOCLONUS SYNDROME. Identifiers: Orphanet 443811, MedGen C4014371, MONDO:0014353, OMIM 615816.
Severe combined immunodeficiency disease. Also called: Severe combined immunodeficiency; Severe Combined Immune Deficiency. Identifiers: Orphanet 183660, MedGen C0085110, MeSH D016511, MONDO:0015974, HP:0004430. Inheritance: X-Linked or Autosomal recessive.

Submissions (2):

Labcorp Genetics (formerly Invitae), Labcorp
Classification: Pathogenic for Immunodeficiency 23. Last evaluated: 2025-10-23. Review status: criteria provided, single submitter. Criteria: Invitae Variant Classification Sherloc (09022015). Collection method: clinical testing. Allele origin: germline.
Comment: This sequence change creates a premature translational stop signal (p.Lys82Asnfs*4) in the PGM3 gene. It is expected to result in an absent or disrupted protein product. Loss-of-function variants in PGM3 are known to be pathogenic (PMID: 17548465, 24589341, 24931394). The frequency data for this variant in the population databases is considered unreliable, as metrics indicate poor data quality at this position in the gnomAD database. This variant has not been reported in the literature in individuals affected with PGM3-related conditions. ClinVar contains an entry for this variant (Variation ID: 2691540). Algorithms developed to predict the effect of sequence changes on RNA splicing suggest that this variant may disrupt the consensus splice site. For these reasons, this variant has been classified as Pathogenic.

Women's Health and Genetics/Laboratory Corporation of America, LabCorp
Classification: Pathogenic for Severe combined immunodeficiency disease. Last evaluated: 2023-12-08. Review status: criteria provided, single submitter. Criteria: LabCorp Variant Classification Summary - May 2015. Collection method: clinical testing. Allele origin: germline.
Comment: Variant summary: PGM3 c.246delA (p.Lys82AsnfsX4) results in a premature termination codon and is expected to cause absence of the protein due to nonsense mediated decay, a commonly known mechanism for disease. The variant was absent in 251492 control chromosomes (gnomAD). To our knowledge, no occurrence of c.246delA in individuals affected with Severe Combined Immunodeficiency and no experimental evidence demonstrating its impact on protein function have been reported. No submitters have cited clinical-significance assessments for this variant to ClinVar after 2014. Based on the evidence outlined above, the variant was classified as pathogenic.

Literature cited by the submitters: PubMed 17548465 (cited by Labcorp Genetics (formerly Invitae), Labcorp); PubMed 24589341 (cited by Labcorp Genetics (formerly Invitae), Labcorp); PubMed 24931394 (cited by Labcorp Genetics (formerly Invitae), Labcorp).

NM_015599.3(PGM3):c.162del (p.Lys54fs)

Gene: PGM3 (phosphoglucomutase 3; minus strand). Cytogenetic location: 6q14.1.
Variant type: Deletion.
Coding change: c.162del on transcript NM_015599.3 (MANE Select); coding-DNA position 162, one base deleted (A; older notation c.162delA).
Protein change: p.Lys54fs; shifts the reading frame from lysine 54.
Molecular consequence: frameshift variant. On other transcripts: non-coding transcript variant (1), intron variant (1).
Genome position (GRCh38, 1-based): chr6:83,190,851, T deleted on the plus strand (A on the coding strand, the reverse complement: PGM3 is on the minus strand); the first of 4 consecutive T bases (chr6:83,190,851-83,190,854); deleting any one gives the same sequence. VCF-style (leftmost placement, unchanged base first): chr6-83190850-AT-A. GRCh37 (hg19) VCF-style: chr6-83900569-AT-A.
Other names: c.246delA (NM_001199917.2); c.246del, p.Lys82fs (NM_001199917.2, NM_001367287.1); c.162del, p.Lys54fs (NM_001199919.2, NM_001367286.1); c.-39-2053del (NM_001199918.2); short protein forms K54fs, K82fs.
Identifiers: ClinVar variation 2691540 (VCV002691540.4), dbSNP rs764377394, ClinGen allele CA568599680.